The following is an entry in ClinVar:

ClinVar aggregate classification (germline): Uncertain significance (1 of 4 stars; one submission).

Submission:

Labcorp Genetics (formerly Invitae), Labcorp
Classification: Uncertain significance. Last evaluated: 2025-06-10. Review status: criteria provided, single submitter. Criteria: Invitae Variant Classification Sherloc (09022015). Collection method: clinical testing. Allele origin: germline.
Comment: This sequence change replaces phenylalanine, which is neutral and non-polar, with serine, which is neutral and polar, at codon 1100 of the ITGAM protein (p.Phe1100Ser). This variant is not present in population databases (gnomAD no frequency). This variant has not been reported in the literature in individuals affected with ITGAM-related conditions. An algorithm developed to predict the effect of missense changes on protein structure and function (PolyPhen-2) suggests that this variant is likely to be tolerated. In summary, the available evidence is currently insufficient to determine the role of this variant in disease. Therefore, it has been classified as a Variant of Uncertain Significance.

NM_000632.4(ITGAM):c.3299T>C (p.Phe1100Ser)

Gene: ITGAM (integrin subunit alpha M; plus strand). Cytogenetic location: 16p11.2.
Variant type: single nucleotide variant.
Coding change: c.3299T>C on transcript NM_000632.4 (MANE Select); coding-DNA position 3299, T replaced by C.
Protein change: p.Phe1100Ser; replaces phenylalanine 1100 with serine.
Molecular consequence: missense variant.
Genome position (GRCh38, 1-based): chr16:31,331,187, T>C. VCF-style: chr16-31331187-T-C. GRCh37 (hg19) VCF-style: chr16-31342508-T-C.
Other names: c.3302T>C, p.Phe1101Ser (NM_001145808.2); short protein forms F1100S, F1101S.
Identifiers: ClinVar variation 4720653 (VCV004720653.1).